The following is an entry in ClinVar:

ClinVar aggregate classification (germline): Likely pathogenic (1 of 4 stars; one submission).

Conditions:
Rare genetic deafness. Identifiers: Orphanet 96210, MedGen C5680250.

Submission:

Laboratory for Molecular Medicine, Mass General Brigham Personalized Medicine
Classification: Likely pathogenic for Rare genetic deafness. Last evaluated: 2022-06-30. Review status: criteria provided, single submitter. Criteria: ACMG Guidelines, 2015. Collection method: clinical testing. Allele origin: germline.
Comment: The p.Arg147fs variant in TPRN has not been previously reported in individuals with nonsyndromic hearing loss and was absent from large population studies. This variant is predicted to cause a frameshift, which alters the protein’s amino acid sequence beginning at position 147 and leads to a premature termination codon 81 amino acids downstream. Loss of function of the TPRN gene is an established disease mechanism in autosomal recessive nonsyndromic hearing loss. In summary, although additional studies are required to fully establish its clinical significance, this variant meets criteria to be classified as likely pathogenic for autosomal recessive nonsyndromic hearing loss. ACMG/AMP Criteria applied: PVS1, PM2_P.

NM_001128228.3(TPRN):c.440_444del (p.Arg147fs)

Gene: TPRN (taperin; minus strand). Cytogenetic location: 9q34.3.
Variant type: Microsatellite.
Coding change: c.440_444del on transcript NM_001128228.3 (MANE Select); coding-DNA positions 440 to 444, 5 bases deleted (GCCGC; older notation c.440_444delGCCGC).
Protein change: p.Arg147fs; shifts the reading frame from arginine 147.
Molecular consequence: frameshift variant.
Genome position (GRCh38, 1-based): chr9:137,200,268-137,200,272, GCGGC deleted on the plus strand (GCCGC on the coding strand, the reverse complement: TPRN is on the minus strand); deleting any 5 consecutive bases within chr9:137,200,268-137,200,283 gives the same sequence; the c. name uses the placement nearest the transcript's 3' end. VCF-style (leftmost placement, unchanged base first): chr9-137200267-GGCGGC-G. GRCh37 (hg19) VCF-style: chr9-140094719-GGCGGC-G.
Other names: short protein forms R147fs.
Identifiers: ClinVar variation 3075856 (VCV003075856.1), dbSNP rs975049556, ClinGen allele CA1130083310.
Genomic context (GRCh38, chr9:137,200,267, plus strand): 5'-GCCGGGGCGGCGCGGGCGGCGGCGGCGGCGGCGGGGGGCGGGCGCGCTCGGGGCTCCCGC[GGCGGC>G]GCGGCGCGGCGGGCGGGTCGAACCTCTCCAGTAGGCGGCTGACGCGGCCGGGCGGCGCCC-3'